The following is an entry in ClinVar:

ClinVar aggregate classification (germline): Uncertain significance (1 of 4 stars; one submission).

Allele frequency attached by ClinVar (database versions not stated): gnomAD exomes below 0.00001; ExAC 0.00001.
gnomAD v4.1: 1 of 1,613,710 alleles (0.000062%); highest among the groups gnomAD compares: Non-Finnish European, 0.000085%; no homozygotes.

Submission:

Labcorp Genetics (formerly Invitae), Labcorp
Classification: Uncertain significance. Last evaluated: 2021-07-22. Review status: criteria provided, single submitter. Criteria: Invitae Variant Classification Sherloc (09022015). Collection method: clinical testing. Allele origin: germline.
Comment: This sequence change replaces threonine with isoleucine at codon 1228 of the MAGEL2 protein (p.Thr1228Ile). There is a moderate physicochemical difference between threonine and isoleucine. This variant is present in population databases (rs781107539, ExAC 0.002%). In summary, the available evidence is currently insufficient to determine the role of this variant in disease. Therefore, it has been classified as a Variant of Uncertain Significance. Experimental studies and prediction algorithms are not available or were not evaluated, and the functional significance of this variant is currently unknown. This variant has not been reported in the literature in individuals affected with MAGEL2-related conditions.

NM_019066.5(MAGEL2):c.3683C>T (p.Thr1228Ile)

Gene: MAGEL2 (MAGE family member L2; minus strand). Cytogenetic location: 15q11.2.
Variant type: single nucleotide variant.
Coding change: c.3683C>T on transcript NM_019066.5 (MANE Select); coding-DNA position 3683, C replaced by T.
Protein change: p.Thr1228Ile; replaces threonine 1228 with isoleucine.
Molecular consequence: missense variant.
Genome position (GRCh38, 1-based): chr15:23,644,060, G>A on the plus strand (C>T on the coding strand, the complement: MAGEL2 is on the minus strand). VCF-style: chr15-23644060-G-A. GRCh37 (hg19) VCF-style: chr15-23889207-G-A.
Other names: short protein forms T1228I.
Identifiers: ClinVar variation 1369366 (VCV001369366.8), dbSNP rs781107539, ClinGen allele CA7429659.